The following is an entry in ClinVar:

NM_020242.3(KIF15):c.632C>T (p.Ala211Val)

Gene: KIF15 (kinesin family member 15; plus strand). Cytogenetic location: 3p21.31.
Variant type: single nucleotide variant.
Coding change: c.632C>T on transcript NM_020242.3 (MANE Select); coding-DNA position 632, C replaced by T.
Protein change: p.Ala211Val; replaces alanine 211 with valine.
Molecular consequence: missense variant.
Genome position (GRCh38, 1-based): chr3:44,786,567, C>T. VCF-style: chr3-44786567-C-T. GRCh37 (hg19) VCF-style: chr3-44828059-C-T.
Other names: short protein forms A211V.
Identifiers: ClinVar variation 717832 (VCV000717832.20), dbSNP rs34862960, ClinGen allele CA2345831.

ClinVar aggregate classification (germline): Likely benign. Review status: criteria provided, multiple submitters, no conflicts (2 of 4 stars). 5 submissions from 5 submitters: Likely benign (5). Last evaluated 2025-08-18.

Allele frequency attached by ClinVar (database versions not stated): 1000 Genomes Project 0.00180; 1000 Genomes Project 30x 0.00187; TOPMed 0.00221; gnomAD 0.00234 and 0.00239; ESP Exome Variant Server 0.00261; gnomAD exomes 0.00323 and 0.00328; ExAC 0.00361.
gnomAD v4.1: 5,148 of 1,609,804 alleles (0.32%); highest among the groups gnomAD compares: Middle Eastern, 0.68%; 16 homozygotes.

Submissions (5):

Genomic Medicine Center of Excellence, King Faisal Specialist Hospital and Research Centre
Classification: Likely benign. Last evaluated: 2025-08-18. Review status: criteria provided, single submitter. Criteria: ACMG Guidelines, 2015. Collection method: clinical testing. Allele origin: germline.

CeGaT Center for Human Genetics Tuebingen
Classification: Likely benign. Last evaluated: 2025-02-01. Review status: criteria provided, single submitter. Criteria: CeGaT Center For Human Genetics Tuebingen Variant Classification Criteria Version 2. Collection method: clinical testing. Allele origin: germline. Affected: yes. Observed: 3 variant alleles.
Comment: KIF15: BS2

Blueprint Genetics
Classification: Likely benign. Last evaluated: 2024-11-19. Review status: criteria provided, single submitter. Criteria: ACMG Guidelines, 2015. Collection method: clinical testing. Allele origin: germline.

Labcorp Genetics (formerly Invitae), Labcorp
Classification: Likely benign. Last evaluated: 2019-12-31. Review status: criteria provided, single submitter. Criteria: Invitae Variant Classification Sherloc (09022015). Collection method: clinical testing. Allele origin: germline.

Breakthrough Genomics
Classification: Likely benign. Review status: criteria provided, single submitter. Criteria: ACMG Guidelines, 2015. Collection method: not provided. Allele origin: germline. Inheritance: Autosomal recessive inheritance. Affected: yes.